The following is an entry in ClinVar:

ClinVar aggregate classification (germline): Uncertain significance. Review status: criteria provided, multiple submitters, no conflicts (2 of 4 stars). 3 submissions from 3 submitters: Uncertain significance (2). 1 of the submissions does not count toward it. Last evaluated 2025-03-10.

Conditions:
WNT5A-related disorder. Also called: WNT5A-related condition.
Inborn genetic diseases. Identifiers: MedGen C0950123, MeSH D030342.

Allele frequency attached by ClinVar (database versions not stated): gnomAD exomes 0.00001; ExAC 0.00002; gnomAD 0.00002; TOPMed 0.00003.
gnomAD v4.1: 17 of 1,613,942 alleles (0.0011%); highest among the groups gnomAD compares: Admixed American, 0.0067%; no homozygotes.

Submissions (3):

Labcorp Genetics (formerly Invitae), Labcorp
Classification: Uncertain significance. Last evaluated: 2025-03-10. Review status: criteria provided, single submitter. Criteria: Invitae Variant Classification Sherloc (09022015). Collection method: clinical testing. Allele origin: germline.
Comment: This sequence change replaces threonine, which is neutral and polar, with methionine, which is neutral and non-polar, at codon 352 of the WNT5A protein (p.Thr352Met). This variant is present in population databases (rs755298573, gnomAD 0.006%). This variant has not been reported in the literature in individuals affected with WNT5A-related conditions. ClinVar contains an entry for this variant (Variation ID: 3052450). Invitae Evidence Modeling of protein sequence and biophysical properties (such as structural, functional, and spatial information, amino acid conservation, physicochemical variation, residue mobility, and thermodynamic stability) indicates that this missense variant is not expected to disrupt WNT5A protein function with a negative predictive value of 80%. In summary, the available evidence is currently insufficient to determine the role of this variant in disease. Therefore, it has been classified as a Variant of Uncertain Significance.

Ambry Genetics
Classification: Uncertain significance for Inborn genetic diseases. Last evaluated: 2024-12-23. Review status: criteria provided, single submitter. Criteria: Ambry Variant Classification Scheme 2023. Collection method: clinical testing. Allele origin: germline.

PreventionGenetics, part of Exact Sciences
Classification: Uncertain significance for WNT5A-related condition. Last evaluated: 2024-01-04. Review status: no assertion criteria provided. Collection method: clinical testing. Allele origin: germline. Not counted in ClinVar's aggregate classification.
Comment: The WNT5A c.1055C>T variant is predicted to result in the amino acid substitution p.Thr352Met. To our knowledge, this variant has not been reported in the literature. This variant is reported in 0.0058% of alleles in individuals of Latino descent in gnomAD. At this time, the clinical significance of this variant is uncertain due to the absence of conclusive functional and genetic evidence.

NM_003392.7(WNT5A):c.1055C>T (p.Thr352Met)

Gene: WNT5A (Wnt family member 5A; minus strand). Cytogenetic location: 3p14.3.
Variant type: single nucleotide variant.
Coding change: c.1055C>T on transcript NM_003392.7 (MANE Select); coding-DNA position 1055, C replaced by T.
Protein change: p.Thr352Met; replaces threonine 352 with methionine.
Molecular consequence: missense variant.
Genome position (GRCh38, 1-based): chr3:55,470,180, G>A on the plus strand (C>T on the coding strand, the complement: WNT5A is on the minus strand). VCF-style: chr3-55470180-G-A. GRCh37 (hg19) VCF-style: chr3-55504208-G-A.
Other names: c.1010C>T, p.Thr337Met (NM_001256105.1, NM_001377271.1, NM_001377272.1); c.1055C>T (NM_003392.3); short protein forms T337M, T352M.
Identifiers: ClinVar variation 3052450 (VCV003052450.4), dbSNP rs755298573, ClinGen allele CA2458915.